The following is an entry in ClinVar:

ClinVar aggregate classification (germline): Pathogenic (0 of 4 stars; one submission).

Conditions:
Fanconi anemia complementation group A (FANCA). Also called: Fanconi anemia, group A; FANCA-Related Fanconi Anemia. Identifiers: Orphanet 84, MedGen C3469521, MONDO:0009215, OMIM 227650.

Submission:

Leiden Open Variation Database
Classification: Pathogenic for Fanconi anemia complementation group A. Last evaluated: 2020-02-28. Review status: no assertion criteria provided. Collection method: curation. Allele origin: germline. Affected: yes.
Comment: Curator: Arleen D. Auerbach. Submitter to LOVD: Arleen D. Auerbach.

Literature cited by the submitters: PubMed 21273304.

NM_000135.4(FANCA):c.1703del (p.Val568fs)

Gene: FANCA (FA complementation group A; minus strand). Cytogenetic location: 16q24.3.
Variant type: Deletion.
Coding change: c.1703del on transcript NM_000135.4 (MANE Select); coding-DNA position 1703, one base deleted (T; older notation c.1703delT).
Protein change: p.Val568fs; shifts the reading frame from valine 568.
Molecular consequence: frameshift variant.
Genome position (GRCh38, 1-based): chr16:89,779,881, A deleted on the plus strand (T on the coding strand, the reverse complement: FANCA is on the minus strand). VCF-style (leftmost placement, unchanged base first): chr16-89779880-GA-G. GRCh37 (hg19) VCF-style: chr16-89846288-GA-G.
Other names: c.1703del, p.Val568fs (NM_001286167.3); short protein forms V568fs.
Identifiers: ClinVar variation 974019 (VCV000974019.1), dbSNP rs2039642419, ClinGen allele CA1139665024.
Genomic context (GRCh38, chr16:89,779,880, plus strand): 5'-GTCTGCACACACTGCAGCTGCTAGAGGCCTTTTCGGCAGCCCAGCCTACCTGGCCTCCAT[GA>G]CGGTGACTGGGATGTTCCCCGTATGCTCAAACACCATGATGGCCTTTTCAACATCCTGAA-3'